The following is an entry in ClinVar:

ClinVar aggregate classification (germline): Benign. Review status: criteria provided, multiple submitters, no conflicts (2 of 4 stars). 2 submissions from 2 submitters: Benign (2). Last evaluated 2018-06-15.

Allele frequency attached by ClinVar (database versions not stated): gnomAD 0.82003 and 0.81909; TOPMed 0.82070; 1000 Genomes Project 30x 0.87274; 1000 Genomes Project 0.87360.
gnomAD v4.1: 124,137 of 151,634 alleles (82%); highest among the groups gnomAD compares: East Asian, 100%; 51,366 homozygotes.

Submissions (2):

GeneDx
Classification: Benign. Last evaluated: 2018-06-15. Review status: criteria provided, single submitter. Criteria: GeneDx Variant Classification (06012015). Collection method: clinical testing. Allele origin: germline. Affected: yes.
Comment: This variant is considered likely benign or benign based on one or more of the following criteria: it is a conservative change, it occurs at a poorly conserved position in the protein, it is predicted to be benign by multiple in silico algorithms, and/or has population frequency not consistent with disease.

Breakthrough Genomics
Classification: Benign. Review status: criteria provided, single submitter. Criteria: ACMG Guidelines, 2015. Collection method: not provided. Allele origin: germline. Inheritance: Autosomal dominant inheritance. Affected: yes.

NM_001035.3(RYR2):c.848+189G>C

Gene: RYR2 (ryanodine receptor 2; plus strand). Cytogenetic location: 1q43.
Variant type: single nucleotide variant.
Coding change: c.848+189G>C on transcript NM_001035.3 (MANE Select); 189 bases into the intron after coding-DNA position 848, G replaced by C.
Molecular consequence: intron variant.
Genome position (GRCh38, 1-based): chr1:237,417,312, G>C. VCF-style: chr1-237417312-G-C. GRCh37 (hg19) VCF-style: chr1-237580612-G-C.
Identifiers: ClinVar variation 671746 (VCV000671746.2), dbSNP rs6673187, ClinGen allele CA10794215.